The following is an entry in ClinVar:

NM_173560.4(RFX6):c.161G>A (p.Gly54Glu)

Genes: RFX6 (regulatory factor X6; plus strand), LOC127407129 (RFX6 promoter region; plus strand). Cytogenetic location: 6q22.1.
Variant type: single nucleotide variant.
Coding change: c.161G>A on transcript NM_173560.4 (MANE Select); coding-DNA position 161, G replaced by A.
Protein change: p.Gly54Glu; replaces glycine 54 with glutamic acid.
Molecular consequence: missense variant.
Genome position (GRCh38, 1-based): chr6:116,877,436, G>A. VCF-style: chr6-116877436-G-A. GRCh37 (hg19) VCF-style: chr6-117198599-G-A.
Other names: c.161G>A (NM_173560.3); short protein forms G54E.
Identifiers: ClinVar variation 1985791 (VCV001985791.5), dbSNP rs765521990, ClinGen allele CA3972949.
Genomic context (GRCh38, chr6:116,877,436, plus strand): 5'-GCAAGGGCTTGCTAGTCTATCCGGAAGAAACAGTGTACCTGGCGGCCGAAGGGCAGCCCG[G>A]GGGCGAGCAGGGCGGCGGGGAGAAAGGCGAAGACCCGGAGCTGCCGGGGGCAGTGAAATC-3'
Protein context (NP_775831.2, residues 44-64): TVYLAAEGQP[Gly54Glu]GEQGGGEKGE

ClinVar aggregate classification (germline): Uncertain significance. Review status: criteria provided, multiple submitters, no conflicts (2 of 4 stars). 3 submissions from 3 submitters: Uncertain significance (3). Last evaluated 2025-09-25.

Conditions:
Inborn genetic diseases. Identifiers: MedGen C0950123, MeSH D030342.

Allele frequency attached by ClinVar (database versions not stated): ExAC 0.00002; TOPMed 0.00004; gnomAD 0.00007.
gnomAD v4.1: 213 of 1,590,314 alleles (0.013%); highest among the groups gnomAD compares: Non-Finnish European, 0.018%; no homozygotes.

Submissions (3):

Ambry Genetics
Classification: Uncertain significance for Inborn genetic diseases. Last evaluated: 2025-09-25. Review status: criteria provided, single submitter. Criteria: Ambry Variant Classification Scheme 2023. Collection method: clinical testing. Allele origin: germline.

GeneDx
Classification: Uncertain significance. Last evaluated: 2023-06-01. Review status: criteria provided, single submitter. Criteria: GeneDx Variant Classification Process June 2021. Collection method: clinical testing. Allele origin: germline. Affected: yes.
Comment: In silico analysis supports that this missense variant does not alter protein structure/function; Has not been previously published as pathogenic or benign to our knowledge

Labcorp Genetics (formerly Invitae), Labcorp
Classification: Uncertain significance. Last evaluated: 2022-05-25. Review status: criteria provided, single submitter. Criteria: Invitae Variant Classification Sherloc (09022015). Collection method: clinical testing. Allele origin: germline.
Comment: In summary, the available evidence is currently insufficient to determine the role of this variant in disease. Therefore, it has been classified as a Variant of Uncertain Significance. Algorithms developed to predict the effect of missense changes on protein structure and function are either unavailable or do not agree on the potential impact of this missense change (SIFT: "Deleterious"; PolyPhen-2: "Benign"; Align-GVGD: "Class C0"). This variant has not been reported in the literature in individuals affected with RFX6-related conditions. This variant is present in population databases (rs765521990, gnomAD 0.009%). This sequence change replaces glycine, which is neutral and non-polar, with glutamic acid, which is acidic and polar, at codon 54 of the RFX6 protein (p.Gly54Glu).